The following is an entry in ClinVar:

NM_182961.4(SYNE1):c.3926G>C (p.Arg1309Pro)

Gene: SYNE1 (spectrin repeat containing nuclear envelope protein 1; minus strand). Cytogenetic location: 6q25.2.
Variant type: single nucleotide variant.
Coding change: c.3926G>C on transcript NM_182961.4 (MANE Select); coding-DNA position 3926, G replaced by C.
Protein change: p.Arg1309Pro; replaces arginine 1309 with proline.
Molecular consequence: missense variant.
Genome position (GRCh38, 1-based): chr6:152,442,157, C>G on the plus strand (G>C on the coding strand, the complement: SYNE1 is on the minus strand). VCF-style: chr6-152442157-C-G. GRCh37 (hg19) VCF-style: chr6-152763292-C-G.
Other names: c.3947G>C, p.Arg1316Pro (NM_033071.5); short protein forms R1316P, R1309P.
Identifiers: ClinVar variation 1918910 (VCV001918910.5), dbSNP rs1376716993, ClinGen allele CA366146773.

ClinVar aggregate classification (germline): Uncertain significance (1 of 4 stars; one submission).

Conditions:
Emery-Dreifuss muscular dystrophy 4, autosomal dominant (EDMD4). Also called: EMERY-DREIFUSS MUSCULAR DYSTROPHY 4 WITH VARIABLE FEATURES. Identifiers: Orphanet 261, MedGen C2751807, MONDO:0013071, OMIM 612998.
Autosomal recessive ataxia, Beauce type. Also called: SYNE1-Related Autosomal Recessive Cerebellar Ataxia; SYNE1 Deficiency; Spinocerebellar ataxia, autosomal recessive 8; ATAXIA, RECESSIVE, OF BEAUCE. Identifiers: Orphanet 88644, MedGen C1853116, MONDO:0012549, OMIM 610743.

gnomAD v4.1: 3 of 1,613,862 alleles (0.00019%); highest among the groups gnomAD compares: Non-Finnish European, 0.00025%; no homozygotes.

Submission:

Labcorp Genetics (formerly Invitae), Labcorp
Classification: Uncertain significance for Emery-Dreifuss muscular dystrophy 4, autosomal dominant; Autosomal recessive ataxia, Beauce type. Last evaluated: 2022-06-15. Review status: criteria provided, single submitter. Criteria: Invitae Variant Classification Sherloc (09022015). Collection method: clinical testing. Allele origin: germline.
Comment: This sequence change replaces arginine, which is basic and polar, with proline, which is neutral and non-polar, at codon 1316 of the SYNE1 protein (p.Arg1316Pro). This variant is not present in population databases (gnomAD no frequency). This variant has not been reported in the literature in individuals affected with SYNE1-related conditions. Algorithms developed to predict the effect of missense changes on protein structure and function output the following: SIFT: "Tolerated"; PolyPhen-2: "Benign"; Align-GVGD: "Class C0". The proline amino acid residue is found in multiple mammalian species, which suggests that this missense change does not adversely affect protein function. In summary, the available evidence is currently insufficient to determine the role of this variant in disease. Therefore, it has been classified as a Variant of Uncertain Significance.